The following is an entry in ClinVar:

ClinVar aggregate classification (germline): Uncertain significance. Review status: criteria provided, multiple submitters, no conflicts (2 of 4 stars). 2 submissions from 2 submitters: Uncertain significance (2). Last evaluated 2025-08-12.

Conditions:
Inborn genetic diseases. Identifiers: MedGen C0950123, MeSH D030342.
PRPH2-related disorder. Also called: PRPH2-related disorders; PRPH2-related condition. Identifiers: MedGen CN239395.

Submissions (2):

Ambry Genetics
Classification: Uncertain significance for Inborn genetic diseases. Last evaluated: 2025-08-12. Review status: criteria provided, single submitter. Criteria: Ambry Variant Classification Scheme 2023. Collection method: clinical testing. Allele origin: germline.

Labcorp Genetics (formerly Invitae), Labcorp
Classification: Uncertain significance for PRPH2-related disorder. Last evaluated: 2022-11-22. Review status: criteria provided, single submitter. Criteria: Invitae Variant Classification Sherloc (09022015). Collection method: clinical testing. Allele origin: germline.
Comment: Advanced modeling of protein sequence and biophysical properties (such as structural, functional, and spatial information, amino acid conservation, physicochemical variation, residue mobility, and thermodynamic stability) has been performed at Invitae for this missense variant, however the output from this modeling did not meet the statistical confidence thresholds required to predict the impact of this variant on PRPH2 protein function. ClinVar contains an entry for this variant (Variation ID: 1018927). This variant has not been reported in the literature in individuals affected with PRPH2-related conditions. This variant is not present in population databases (gnomAD no frequency). This sequence change replaces leucine, which is neutral and non-polar, with methionine, which is neutral and non-polar, at codon 255 of the PRPH2 protein (p.Leu255Met). In summary, the available evidence is currently insufficient to determine the role of this variant in disease. Therefore, it has been classified as a Variant of Uncertain Significance.

NM_000322.5(PRPH2):c.763C>A (p.Leu255Met)

Gene: PRPH2 (peripherin 2; minus strand). Cytogenetic location: 6p21.1.
Variant type: single nucleotide variant.
Coding change: c.763C>A on transcript NM_000322.5 (MANE Select); coding-DNA position 763, C replaced by A.
Protein change: p.Leu255Met; replaces leucine 255 with methionine.
Molecular consequence: missense variant.
Genome position (GRCh38, 1-based): chr6:42,704,430, G>T on the plus strand (C>A on the coding strand, the complement: PRPH2 is on the minus strand). VCF-style: chr6-42704430-G-T. GRCh37 (hg19) VCF-style: chr6-42672168-G-T.
Other names: c.763C>A (NM_000322.4); short protein forms L255M.
Identifiers: ClinVar variation 1018927 (VCV001018927.10), dbSNP rs1800110915, ClinGen allele CA364134910.